The following is an entry in ClinVar:

NM_194248.3(OTOF):c.5093del (p.Gly1698fs)

Genes: OTOF (otoferlin; minus strand), LOC112840921 (BRD4-independent group 4 enhancer GRCh37_chr2:26685720-26686919; plus strand). Cytogenetic location: 2p23.3.
Variant type: Deletion.
Coding change: c.5093del on transcript NM_194248.3 (MANE Select); coding-DNA position 5093, one base deleted (G; older notation c.5093delG).
Protein change: p.Gly1698fs; shifts the reading frame from glycine 1698.
Molecular consequence: frameshift variant.
Genome position (GRCh38, 1-based): chr2:26,463,974, C deleted on the plus strand (G on the coding strand, the reverse complement: OTOF is on the minus strand); the first of 3 consecutive C bases (chr2:26,463,974-26,463,976); deleting any one gives the same sequence. VCF-style (leftmost placement, unchanged base first): chr2-26463973-GC-G. GRCh37 (hg19) VCF-style: chr2-26686841-GC-G.
Other names: c.5093del, p.Gly1698fs (NM_001287489.2); c.2792del, p.Gly931fs (NM_004802.4, NM_194323.3); c.3023del, p.Gly1008fs (NM_194322.3); short protein forms G1698fs, G931fs, G1008fs.
Identifiers: ClinVar variation 2996521 (VCV002996521.3), dbSNP rs1664604921, ClinGen allele CA1239814521.

ClinVar aggregate classification (germline): Pathogenic (1 of 4 stars; one submission).

Submission:

Labcorp Genetics (formerly Invitae), Labcorp
Classification: Pathogenic. Last evaluated: 2024-02-03. Review status: criteria provided, single submitter. Criteria: Invitae Variant Classification Sherloc (09022015). Collection method: clinical testing. Allele origin: germline.
Comment: This sequence change creates a premature translational stop signal (p.Gly1698Alafs*65) in the OTOF gene. It is expected to result in an absent or disrupted protein product. Loss-of-function variants in OTOF are known to be pathogenic (PMID: 18381613, 19250381, 22575033). This variant is not present in population databases (gnomAD no frequency). This variant has not been reported in the literature in individuals affected with OTOF-related conditions. For these reasons, this variant has been classified as Pathogenic.

Literature cited by the submitters: PubMed 18381613; PubMed 19250381; PubMed 22575033.